The following is an entry in ClinVar:

NM_000719.7(CACNA1C):c.3748G>A (p.Ala1250Thr)

Gene: CACNA1C (calcium voltage-gated channel subunit alpha1 C; plus strand). Cytogenetic location: 12p13.33.
Variant type: single nucleotide variant.
Coding change: c.3748G>A on transcript NM_000719.7 (MANE Select); coding-DNA position 3748, G replaced by A.
Protein change: p.Ala1250Thr; replaces alanine 1250 with threonine.
Molecular consequence: missense variant.
Genome position (GRCh38, 1-based): chr12:2,611,933, G>A. VCF-style: chr12-2611933-G-A. GRCh37 (hg19) VCF-style: chr12-2721099-G-A.
Other names: c.3808G>A, p.Ala1270Thr (NM_001129827.2, NM_001129832.2, NM_199460.4); c.3748G>A, p.Ala1250Thr (NM_001129829.2, NM_001129830.3, NM_001129831.2 and 15 more transcripts); c.3739G>A, p.Ala1247Thr (NM_001129844.2); short protein forms A1250T, A1247T, A1270T.
Identifiers: ClinVar variation 951634 (VCV000951634.11), dbSNP rs373930708, ClinGen allele CA6389305.
Genomic context (GRCh38, chr12:2,611,933, plus strand): 5'-GTTCACAGCTCCTCCCCTCTCCTGATGCAGCACTACGGCCAGAGCTGCCTGTTCAAAATC[G>A]CCATGAACATCCTCAACATGCTCTTCACTGGCCTCTTCACCGTGGAGATGATCCTGAAGC-3'
Protein context (NP_000710.5, residues 1240-1260): HYGQSCLFKI[Ala1250Thr]MNILNMLFTG

ClinVar aggregate classification (germline): Uncertain significance. Review status: criteria provided, multiple submitters, no conflicts (2 of 4 stars). 3 submissions from 3 submitters: Uncertain significance (3). Last evaluated 2026-01-10.

Conditions:
Long QT syndrome (LQTS). Identifiers: MedGen C0023976, MeSH D008133, MONDO:0002442. Disease mechanism: loss of function. Inheritance: Various modes of inheritance.

Allele frequency attached by ClinVar (database versions not stated): ESP Exome Variant Server 0.00008; gnomAD 0.00002; TOPMed 0.00002.
gnomAD v4.1: 34 of 1,613,252 alleles (0.0021%); highest among the groups gnomAD compares: African/African-American, 0.004%; no homozygotes.

Submissions (3):

Dasa
Classification: Uncertain significance. Last evaluated: 2026-01-10. Review status: criteria provided, single submitter. Criteria: DASA Assertion Criteria. Collection method: clinical testing. Allele origin: germline.
Comment: NM_000719.7(CACNA1C):c.3748G>A (p.Ala1250Thr) is a missense variant that results in the substitution of alanine with threonine. This variant is rare in population databases. Computational prediction algorithms are consistent with a deleterious effect. The currently available literature and clinical evidence are not sufficient to establish a definitive association between this variant and the reported condition. Therefore, this variant is classified as a variant of uncertain significance.

Labcorp Genetics (formerly Invitae), Labcorp
Classification: Uncertain significance for Long QT syndrome. Last evaluated: 2024-07-16. Review status: criteria provided, single submitter. Criteria: Invitae Variant Classification Sherloc (09022015). Collection method: clinical testing. Allele origin: germline.
Comment: This sequence change replaces alanine, which is neutral and non-polar, with threonine, which is neutral and polar, at codon 1250 of the CACNA1C protein (p.Ala1250Thr). This variant is present in population databases (rs373930708, gnomAD 0.01%). This variant has not been reported in the literature in individuals affected with CACNA1C-related conditions. ClinVar contains an entry for this variant (Variation ID: 951634). Advanced modeling of protein sequence and biophysical properties (such as structural, functional, and spatial information, amino acid conservation, physicochemical variation, residue mobility, and thermodynamic stability) has been performed at Invitae for this missense variant, however the output from this modeling did not meet the statistical confidence thresholds required to predict the impact of this variant on CACNA1C protein function. In summary, the available evidence is currently insufficient to determine the role of this variant in disease. Therefore, it has been classified as a Variant of Uncertain Significance.

AiLife Diagnostics
Classification: Uncertain significance. Last evaluated: 2022-01-19. Review status: criteria provided, single submitter. Criteria: ACMG Guidelines, 2015. Collection method: clinical testing. Allele origin: germline. Affected: yes. Observed: 1 variant allele.